The following is an entry in ClinVar:

NM_000069.3(CACNA1S):c.4691_4696del (p.Glu1564_Glu1565del)

Gene: CACNA1S (calcium voltage-gated channel subunit alpha1 S; minus strand). Cytogenetic location: 1q32.1.
Variant type: Deletion.
Coding change: c.4691_4696del on transcript NM_000069.3 (MANE Select); coding-DNA positions 4691 to 4696, 6 bases deleted (AAGAGG; older notation c.4691_4696delAAGAGG).
Protein change: p.Glu1564_Glu1565del.
Molecular consequence: inframe deletion.
Genome position (GRCh38, 1-based): chr1:201,044,429-201,044,434, CCTCTT deleted on the plus strand (AAGAGG on the coding strand, the reverse complement: CACNA1S is on the minus strand); deleting any 6 consecutive bases within chr1:201,044,429-201,044,438 gives the same sequence; the c. name uses the placement nearest the transcript's 3' end. VCF-style (leftmost placement, unchanged base first): chr1-201044428-GCCTCTT-G. GRCh37 (hg19) VCF-style: chr1-201013556-GCCTCTT-G.
Identifiers: ClinVar variation 3075267 (VCV003075267.1), dbSNP rs1169280155, ClinGen allele CA528312689.
Genomic context (GRCh38, chr1:201,044,428, plus strand): 5'-CTCTCCAGCTCCTCCTCAGCAGCCAGGTCTCCTGAGACCGTGCGACAGATCTCGGGGGCT[GCCTCTT>G]CCTCAATGGTCCGCAGCCCTGCCTGGGGATGACGAAGGGACTCAGTTATCTCTCCAGCCC-3'

ClinVar aggregate classification (germline): Uncertain significance (1 of 4 stars; one submission).

Conditions:
Malignant hyperthermia, susceptibility to, 5 (MHS5). Also called: CACNA1S-Related Malignant Hyperthermia Susceptibility. Identifiers: Orphanet 423, MedGen C1866077, MONDO:0011163, OMIM 601887.

Submission:

All of Us Research Program, National Institutes of Health
Classification: Uncertain significance for Malignant hyperthermia, susceptibility to, 5. Last evaluated: 2024-01-03. Review status: criteria provided, single submitter. Criteria: ACMG Guidelines, 2015. Collection method: clinical testing. Allele origin: germline. Inheritance: Autosomal dominant inheritance. Observed: 1 variant allele, 1 heterozygote.
Comment: This variant causes the in-frame deletion of two amino acids in the CACNA1S protein. To our knowledge, functional studies have not been reported for this variant. This variant has not been reported in individuals affected with CACNA1S-related disorders in the literature. This variant has been identified in 1/250736 chromosomes in the general population by the Genome Aggregation Database (gnomAD). The available evidence is insufficient to determine the role of this variant in disease conclusively. Therefore, this variant is classified as a Variant of Uncertain Significance.

This study involves interpretation of variants in research participants for the purpose of population health screening. Participant phenotype was not available at the time of variant classification. Additional details can be found in publication PMID: 35346344, PMCID: PMC8962531